The following is an entry in ClinVar:

ClinVar aggregate classification (germline): Likely benign (0 of 4 stars; one submission).

Conditions:
RUBCN-related disorder. Also called: RUBCN-related condition.

Allele frequency attached by ClinVar (database versions not stated): gnomAD exomes 0.00001; TOPMed 0.00001.

Submission:

PreventionGenetics, part of Exact Sciences
Classification: Likely benign for RUBCN-related condition. Last evaluated: 2019-06-10. Review status: no assertion criteria provided. Collection method: clinical testing. Allele origin: germline.
Comment: This variant is classified as likely benign based on ACMG/AMP sequence variant interpretation guidelines (Richards et al. 2015 PMID: 25741868, with internal and published modifications).

NM_014687.4(RUBCN):c.1685-5A>G

Gene: RUBCN (rubicon autophagy regulator; minus strand). Cytogenetic location: 3q29.
Variant type: single nucleotide variant.
Coding change: c.1685-5A>G on transcript NM_014687.4 (MANE Select); 5 bases into the intron before coding-DNA position 1685, A replaced by G.
Molecular consequence: intron variant.
Genome position (GRCh38, 1-based): chr3:197,693,821, T>C on the plus strand (A>G on the coding strand, the complement: RUBCN is on the minus strand). VCF-style: chr3-197693821-T-C. GRCh37 (hg19) VCF-style: chr3-197420692-T-C.
Other names: c.1550-5A>G (NM_001145642.5); c.1727-5A>G (NM_001346873.2).
Identifiers: ClinVar variation 3043880 (VCV003043880.2), dbSNP rs1262622403, ClinGen allele CA904956096.